The following is an entry in ClinVar:

NM_001983.4(ERCC1):c.350G>A (p.Arg117His)

Gene: ERCC1 (ERCC excision repair 1, endonuclease non-catalytic subunit; minus strand). Cytogenetic location: 19q13.32.
Variant type: single nucleotide variant.
Coding change: c.350G>A on transcript NM_001983.4 (MANE Select); coding-DNA position 350, G replaced by A.
Protein change: p.Arg117His; replaces arginine 117 with histidine.
Molecular consequence: missense variant.
Genome position (GRCh38, 1-based): chr19:45,420,399, C>T on the plus strand (G>A on the coding strand, the complement: ERCC1 is on the minus strand). VCF-style: chr19-45420399-C-T. GRCh37 (hg19) VCF-style: chr19-45923657-C-T.
Other names: c.350G>A, p.Arg117His (NM_001166049.2, NM_001369408.1, NM_001369409.1 and 11 more transcripts); short protein forms R117H.
Identifiers: ClinVar variation 1958516 (VCV001958516.5), dbSNP rs774275993, ClinGen allele CA406359241.

ClinVar aggregate classification (germline): Uncertain significance (1 of 4 stars; one submission).

gnomAD v4.1: 36 of 1,613,328 alleles (0.0022%); highest among the groups gnomAD compares: Non-Finnish European, 0.003%; no homozygotes.

Submission:

Labcorp Genetics (formerly Invitae), Labcorp
Classification: Uncertain significance. Last evaluated: 2024-10-22. Review status: criteria provided, single submitter. Criteria: Invitae Variant Classification Sherloc (09022015). Collection method: clinical testing. Allele origin: germline.
Comment: This sequence change replaces arginine, which is basic and polar, with histidine, which is basic and polar, at codon 117 of the ERCC1 protein (p.Arg117His). This variant is not present in population databases (gnomAD no frequency). This variant has not been reported in the literature in individuals affected with ERCC1-related conditions. ClinVar contains an entry for this variant (Variation ID: 1958516). An algorithm developed to predict the effect of missense changes on protein structure and function (PolyPhen-2) suggests that this variant is likely to be tolerated. In summary, the available evidence is currently insufficient to determine the role of this variant in disease. Therefore, it has been classified as a Variant of Uncertain Significance.